The following is an entry in ClinVar:

NM_001378454.1(ALMS1):c.784G>T (p.Glu262Ter)

Gene: ALMS1 (ALMS1 centrosome and basal body associated protein; plus strand). Cytogenetic location: 2p13.1.
Variant type: single nucleotide variant.
Coding change: c.784G>T on transcript NM_001378454.1 (MANE Select); coding-DNA position 784, G replaced by T.
Protein change: p.Glu262Ter; replaces glutamic acid 262 with a stop codon.
Molecular consequence: nonsense.
Genome position (GRCh38, 1-based): chr2:73,424,449, G>T. VCF-style: chr2-73424449-G-T. GRCh37 (hg19) VCF-style: chr2-73651577-G-T.
Other names: c.787G>T, p.Glu263Ter (NM_015120.4); short protein forms E262*, E263*.
Identifiers: ClinVar variation 3004257 (VCV003004257.3), dbSNP rs1572914269, ClinGen allele CA347260402.
Genomic context (GRCh38, chr2:73,424,449, plus strand): 5'-TAATGTTATTTATTTATTTATTTTTAACTATATATTTTCAGGGGAATTCCTGATAAGTCT[G>T]AAGATACTGAATGGTCTTCTCGACCATCGGAAGTTAGTGAAGCTTTATTCCAGGCTACTG-3'

ClinVar aggregate classification (germline): Pathogenic (1 of 4 stars; one submission).

Conditions:
Alstrom syndrome (ALMS). Identifiers: Orphanet 64, MedGen C0268425, MONDO:0008763, OMIM 203800.

Submission:

Labcorp Genetics (formerly Invitae), Labcorp
Classification: Pathogenic for Alstrom syndrome. Last evaluated: 2023-06-23. Review status: criteria provided, single submitter. Criteria: Invitae Variant Classification Sherloc (09022015). Collection method: clinical testing. Allele origin: germline.
Comment: This variant is not present in population databases (gnomAD no frequency). This sequence change creates a premature translational stop signal (p.Glu263*) in the ALMS1 gene. It is expected to result in an absent or disrupted protein product. Loss-of-function variants in ALMS1 are known to be pathogenic (PMID: 17594715). This variant has not been reported in the literature in individuals affected with ALMS1-related conditions. For these reasons, this variant has been classified as Pathogenic.

Literature cited by the submitters: PubMed 17594715.